The following is an entry in ClinVar:

NM_000780.4(CYP7A1):c.1238_1239del (p.Leu413fs)

Gene: CYP7A1 (cytochrome P450 family 7 subfamily A member 1; minus strand). Cytogenetic location: 8q12.1.
Variant type: Deletion.
Coding change: c.1238_1239del on transcript NM_000780.4 (MANE Select); coding-DNA positions 1238 to 1239, 2 bases deleted (TT; older notation c.1238_1239delTT).
Protein change: p.Leu413fs; shifts the reading frame from leucine 413.
Molecular consequence: frameshift variant.
Genome position (GRCh38, 1-based): chr8:58,491,751-58,491,752, AA deleted on the plus strand (TT on the coding strand, the reverse complement: CYP7A1 is on the minus strand). VCF-style (leftmost placement, unchanged base first): chr8-58491750-CAA-C. GRCh37 (hg19) VCF-style: chr8-59404309-CAA-C.
Other names: short protein forms L413fs.
Identifiers: ClinVar variation 592638 (VCV000592638.7), dbSNP rs766284289, ClinGen allele CA4756595.

ClinVar aggregate classification (germline): Uncertain significance. Review status: criteria provided, multiple submitters, no conflicts (2 of 4 stars). 2 submissions from 2 submitters: Uncertain significance (2). Last evaluated 2025-08-26.

Allele frequency attached by ClinVar (database versions not stated): ExAC 0.00004; gnomAD exomes 0.00007 and 0.00003; TOPMed 0.00008; gnomAD 0.00008.

Submissions (2):

Labcorp Genetics (formerly Invitae), Labcorp
Classification: Uncertain significance. Last evaluated: 2025-08-26. Review status: criteria provided, single submitter. Criteria: Invitae Variant Classification Sherloc (09022015). Collection method: clinical testing. Allele origin: germline.
Comment: This sequence change creates a premature translational stop signal (p.Leu413Argfs*2) in the CYP7A1 gene. While this is not anticipated to result in nonsense mediated decay, it is expected to disrupt the last 92 amino acid(s) of the CYP7A1 protein. This variant is present in population databases (rs766284289, gnomAD 0.008%). This premature translational stop signal has been observed in individual(s) with hypercholesterolemia (PMID: 12093894). This variant is also known as c.1302-1303delTT (p.L413fsX414). ClinVar contains an entry for this variant (Variation ID: 592638). Algorithms developed to predict the effect of variants on gene product structure and function are not available or were not evaluated for this variant. Experimental studies have shown that this premature translational stop signal affects CYP7A1 function (PMID: 12093894). In summary, the available evidence is currently insufficient to determine the role of this variant in disease. Therefore, it has been classified as a Variant of Uncertain Significance.

Eurofins Ntd Llc (ga)
Classification: Uncertain significance. Last evaluated: 2018-07-17. Review status: criteria provided, single submitter. Criteria: EGL ClinVar v180209 classification definitions. Collection method: clinical testing. Allele origin: germline. Observed: 3 variant alleles, 1 heterozygote.

Literature cited by the submitters: PubMed 12093894 (cited by Labcorp Genetics (formerly Invitae), Labcorp).